The following is an entry in ClinVar:

ClinVar aggregate classification (germline): Uncertain significance. Review status: criteria provided, multiple submitters, no conflicts (2 of 4 stars). 2 submissions from 2 submitters: Uncertain significance (2). Last evaluated 2022-10-28.

Conditions:
Inborn genetic diseases. Identifiers: MedGen C0950123, MeSH D030342.

gnomAD v4.1: 10 of 1,613,958 alleles (0.00062%); highest among the groups gnomAD compares: African/African-American, 0.0093%; no homozygotes.

Submissions (2):

Labcorp Genetics (formerly Invitae), Labcorp
Classification: Uncertain significance. Last evaluated: 2022-10-28. Review status: criteria provided, single submitter. Criteria: Invitae Variant Classification Sherloc (09022015). Collection method: clinical testing. Allele origin: germline.
Comment: In summary, the available evidence is currently insufficient to determine the role of this variant in disease. Therefore, it has been classified as a Variant of Uncertain Significance. This sequence change replaces glycine, which is neutral and non-polar, with arginine, which is basic and polar, at codon 370 of the TGM6 protein (p.Gly370Arg). This variant is present in population databases (no rsID available, gnomAD 0.008%). This variant has not been reported in the literature in individuals affected with TGM6-related conditions. Advanced modeling of protein sequence and biophysical properties (such as structural, functional, and spatial information, amino acid conservation, physicochemical variation, residue mobility, and thermodynamic stability) performed at Invitae indicates that this missense variant is expected to disrupt TGM6 protein function.

Ambry Genetics
Classification: Uncertain significance for Inborn genetic diseases. Last evaluated: 2021-07-09. Review status: criteria provided, single submitter. Criteria: Ambry Variant Classification Scheme 2023. Collection method: clinical testing. Allele origin: germline.

NM_198994.3(TGM6):c.1108G>C (p.Gly370Arg)

Gene: TGM6 (transglutaminase 6; plus strand). Cytogenetic location: 20p13.
Variant type: single nucleotide variant.
Coding change: c.1108G>C on transcript NM_198994.3 (MANE Select); coding-DNA position 1108, G replaced by C.
Protein change: p.Gly370Arg; replaces glycine 370 with arginine.
Molecular consequence: missense variant.
Genome position (GRCh38, 1-based): chr20:2,403,595, G>C. VCF-style: chr20-2403595-G-C. GRCh37 (hg19) VCF-style: chr20-2384241-G-C.
Other names: c.1108G>C, p.Gly370Arg (NM_001254734.2); short protein forms G370R.
Identifiers: ClinVar variation 1946353 (VCV001946353.6), dbSNP rs148889050, ClinGen allele CA310842898.
Genomic context (GRCh38, chr20:2,403,595, plus strand): 5'-CTGCTTTTCCTTACCCATGCTGCTCATGCCCACCCCTCCTGCCCAGGTGTGTTCCGGTGC[G>C]GCCCAGCCTCAGTCACCGCCATCCGCGAGGGTGATGTGCACCTGGCTCACGATGGCCCCT-3'
Protein context (NP_945345.2, residues 360-380): QEESEGVFRC[Gly370Arg]PASVTAIREG